The following is an entry in ClinVar:

ClinVar aggregate classification (germline): Pathogenic (1 of 4 stars; one submission).

Conditions:
Hereditary cancer-predisposing syndrome. Also called: Neoplastic Syndromes, Hereditary; Hereditary Cancer Syndrome; Hereditary neoplastic syndrome; Tumor predisposition. Identifiers: Orphanet 140162, MedGen C0027672, MeSH D009386, MONDO:0015356.

Submission:

Ambry Genetics
Classification: Pathogenic for Hereditary cancer-predisposing syndrome. Last evaluated: 2023-05-15. Review status: criteria provided, single submitter. Criteria: Ambry Variant Classification Scheme 2023. Collection method: clinical testing. Allele origin: germline.
Comment: The c.1052dupC pathogenic mutation, located in coding exon 12 of the CDC73 gene, results from a duplication of C at nucleotide position 1052, causing a translational frameshift with a predicted alternate stop codon (p.N352Kfs*25). This variant is considered to be rare based on population cohorts in the Genome Aggregation Database (gnomAD). This alteration is expected to result in loss of function by premature protein truncation or nonsense-mediated mRNA decay. As such, this alteration is interpreted as a disease-causing mutation.

NM_024529.5(CDC73):c.1052dup (p.Asn352fs)

Gene: CDC73 (cell division cycle 73; plus strand). Cytogenetic location: 1q31.2.
Variant type: Duplication.
Coding change: c.1052dup on transcript NM_024529.5 (MANE Select); coding-DNA position 1052, one base duplicated (C; older notation c.1052dupC).
Protein change: p.Asn352fs; shifts the reading frame from asparagine 352.
Molecular consequence: frameshift variant.
Genome position (GRCh38, 1-based): chr1:193,212,086, C duplicated; the last of 5 consecutive C bases (chr1:193,212,082-193,212,086); duplicating any one gives the same sequence. VCF-style (leftmost placement, unchanged base first): chr1-193212081-T-TC. GRCh37 (hg19) VCF-style: chr1-193181211-T-TC.
Other names: c.1052dupC (NM_024529.4); short protein forms N352fs.
Identifiers: ClinVar variation 2565272 (VCV002565272.2), dbSNP rs1553288362, ClinGen allele CA2580611524.